The following is an entry in ClinVar:

NM_005005.3(NDUFB9):c.283G>A (p.Asp95Asn)

Gene: NDUFB9 (NADH:ubiquinone oxidoreductase subunit B9; plus strand). Cytogenetic location: 8q24.13.
Variant type: single nucleotide variant.
Coding change: c.283G>A on transcript NM_005005.3 (MANE Select); coding-DNA position 283, G replaced by A.
Protein change: p.Asp95Asn; replaces aspartic acid 95 with asparagine.
Molecular consequence: missense variant.
Genome position (GRCh38, 1-based): chr8:124,543,268, G>A. VCF-style: chr8-124543268-G-A. GRCh37 (hg19) VCF-style: chr8-125555509-G-A.
Other names: c.115G>A, p.Asp39Asn (NM_001278645.2); c.154G>A, p.Asp52Asn (NM_001278646.2); c.250G>A, p.Asp84Asn (NM_001311168.2); c.283G>A (NM_005005.2); short protein forms D39N, D52N, D84N, D95N.
Identifiers: ClinVar variation 1059270 (VCV001059270.8), dbSNP rs773659445, ClinGen allele CA4871504.

ClinVar aggregate classification (germline): Uncertain significance. Review status: criteria provided, multiple submitters, no conflicts (2 of 4 stars). 2 submissions from 2 submitters: Uncertain significance (2). Last evaluated 2025-06-18.

Allele frequency attached by ClinVar (database versions not stated): TOPMed 0.00003; ExAC 0.00004; gnomAD 0.00004 and 0.00005; gnomAD exomes 0.00005 and 0.00008.
gnomAD v4.1: 82 of 1,613,616 alleles (0.0051%); highest among the groups gnomAD compares: Admixed American, 0.033%; no homozygotes.

Submissions (2):

Ambry Genetics
Classification: Uncertain significance. Last evaluated: 2025-06-18. Review status: criteria provided, single submitter. Criteria: Ambry Variant Classification Scheme 2023. Collection method: clinical testing. Allele origin: germline.

Labcorp Genetics (formerly Invitae), Labcorp
Classification: Uncertain significance. Last evaluated: 2024-08-30. Review status: criteria provided, single submitter. Criteria: Invitae Variant Classification Sherloc (09022015). Collection method: clinical testing. Allele origin: germline.
Comment: This sequence change replaces aspartic acid, which is acidic and polar, with asparagine, which is neutral and polar, at codon 95 of the NDUFB9 protein (p.Asp95Asn). This variant is present in population databases (rs773659445, gnomAD 0.03%). This variant has not been reported in the literature in individuals affected with NDUFB9-related conditions. ClinVar contains an entry for this variant (Variation ID: 1059270). An algorithm developed to predict the effect of missense changes on protein structure and function (PolyPhen-2) suggests that this variant is likely to be tolerated. In summary, the available evidence is currently insufficient to determine the role of this variant in disease. Therefore, it has been classified as a Variant of Uncertain Significance.